The following is an entry in ClinVar:

NM_001145715.3(KPNA7):c.1229G>T (p.Gly410Val)

Gene: KPNA7 (karyopherin subunit alpha 7; minus strand). Cytogenetic location: 7q22.1.
Variant type: single nucleotide variant.
Coding change: c.1229G>T on transcript NM_001145715.3 (MANE Select); coding-DNA position 1229, G replaced by T.
Protein change: p.Gly410Val; replaces glycine 410 with valine.
Molecular consequence: missense variant.
Genome position (GRCh38, 1-based): chr7:99,181,971, C>A on the plus strand (G>T on the coding strand, the complement: KPNA7 is on the minus strand). VCF-style: chr7-99181971-C-A. GRCh37 (hg19) VCF-style: chr7-98779594-C-A.
Other names: short protein forms G410V.
Identifiers: ClinVar variation 409804 (VCV000409804.10), dbSNP rs1060502573, ClinGen allele CA16612327.

ClinVar aggregate classification (germline): Uncertain significance. Review status: criteria provided, multiple submitters, no conflicts (2 of 4 stars). 2 submissions from 2 submitters: Uncertain significance (2). Last evaluated 2025-06-06.

Allele frequency attached by ClinVar (database versions not stated): gnomAD 0.00001 and 0.00002; TOPMed 0.00004.

Submissions (2):

Ambry Genetics
Classification: Uncertain significance. Last evaluated: 2025-06-06. Review status: criteria provided, single submitter. Criteria: Ambry Variant Classification Scheme 2023. Collection method: clinical testing. Allele origin: germline.

Labcorp Genetics (formerly Invitae), Labcorp
Classification: Uncertain significance. Last evaluated: 2022-08-23. Review status: criteria provided, single submitter. Criteria: Invitae Variant Classification Sherloc (09022015). Collection method: clinical testing. Allele origin: germline.
Comment: In summary, the available evidence is currently insufficient to determine the role of this variant in disease. Therefore, it has been classified as a Variant of Uncertain Significance. Algorithms developed to predict the effect of missense changes on protein structure and function are either unavailable or do not agree on the potential impact of this missense change (SIFT: "Deleterious"; PolyPhen-2: "Probably Damaging"; Align-GVGD: "Class C0"). ClinVar contains an entry for this variant (Variation ID: 409804). This variant has not been reported in the literature in individuals affected with KPNA7-related conditions. This variant is not present in population databases (gnomAD no frequency). This sequence change replaces glycine, which is neutral and non-polar, with valine, which is neutral and non-polar, at codon 410 of the KPNA7 protein (p.Gly410Val).